The following is an entry in ClinVar:

ClinVar aggregate classification (germline): Uncertain significance (1 of 4 stars; one submission).

Conditions:
Hereditary cancer-predisposing syndrome. Also called: Neoplastic Syndromes, Hereditary; Tumor predisposition; Hereditary neoplastic syndrome; Hereditary Cancer Syndrome. Identifiers: Orphanet 140162, MedGen C0027672, MeSH D009386, MONDO:0015356.

Submission:

Ambry Genetics
Classification: Uncertain significance for Hereditary cancer-predisposing syndrome. Last evaluated: 2024-03-18. Review status: criteria provided, single submitter. Criteria: Ambry Variant Classification Scheme 2023. Collection method: clinical testing. Allele origin: germline.
Comment: The p.V243I variant (also known as c.727G>A), located in coding exon 5 of the STK11 gene, results from a G to A substitution at nucleotide position 727. The valine at codon 243 is replaced by isoleucine, an amino acid with highly similar properties. This amino acid position is highly conserved in available vertebrate species. In addition, the in silico prediction for this alteration is inconclusive. Since supporting evidence is limited at this time, the clinical significance of this alteration remains unclear.

NM_000455.5(STK11):c.727G>A (p.Val243Ile)

Gene: STK11 (serine/threonine kinase 11; plus strand). Cytogenetic location: 19p13.3.
Variant type: single nucleotide variant.
Coding change: c.727G>A on transcript NM_000455.5 (MANE Select); coding-DNA position 727, G replaced by A.
Protein change: p.Val243Ile; replaces valine 243 with isoleucine.
Molecular consequence: missense variant.
Genome position (GRCh38, 1-based): chr19:1,220,710, G>A. VCF-style: chr19-1220710-G-A. GRCh37 (hg19) VCF-style: chr19-1220709-G-A.
Other names: short protein forms V243I.
Identifiers: ClinVar variation 826943 (VCV000826943.5), dbSNP rs1599927009, ClinGen allele CA402949974.